The following is an entry in ClinVar:

NM_000179.3(MSH6):c.3752C>A (p.Ser1251Ter)

Gene: MSH6 (mutS homolog 6; plus strand). Cytogenetic location: 2p16.3.
Variant type: single nucleotide variant.
Coding change: c.3752C>A on transcript NM_000179.3 (MANE Select); coding-DNA position 3752, C replaced by A.
Protein change: p.Ser1251Ter; replaces serine 1251 with a stop codon.
Molecular consequence: nonsense.
Genome position (GRCh38, 1-based): chr2:47,806,309, C>A. VCF-style: chr2-47806309-C-A. GRCh37 (hg19) VCF-style: chr2-48033448-C-A.
Other names: c.3848C>A, p.Ser1283Ter (NM_001406802.1, NM_001406795.1); c.2888C>A, p.Ser963Ter (NM_001406803.1); c.3752C>A, p.Ser1251Ter (NM_001406796.1, NM_001406800.1, NM_001406808.1 and 1 more transcripts); c.3578C>A, p.Ser1193Ter (NM_001406798.1); c.3227C>A, p.Ser1076Ter (NM_001406799.1, NM_001406806.1, NM_001406807.1); c.3455C>A, p.Ser1152Ter (NM_001406801.1, NM_001406797.1, NM_001406805.1 and 10 more transcripts); c.3362C>A, p.Ser1121Ter (NM_001281492.2); c.2846C>A, p.Ser949Ter (NM_001281493.2, NM_001281494.2, NM_001406823.1 and 6 more transcripts); and 7 more; short protein forms S1253*, S1283*, S178*, S566*, S729*, S1076*, S1121*, S1225*.
Identifiers: ClinVar variation 2059416 (VCV002059416.5), dbSNP rs1558392317, ClinGen allele CA346761080.

ClinVar aggregate classification (germline): Pathogenic. Review status: criteria provided, multiple submitters, no conflicts (2 of 4 stars). 2 submissions from 2 submitters: Pathogenic (2). Last evaluated 2023-08-25.

Conditions:
Hereditary nonpolyposis colorectal neoplasms. Identifiers: MedGen C0009405, MeSH D003123.
Lynch syndrome 5 (LYNCH5). Also called: Hereditary non-polyposis colorectal cancer, type 5; Colorectal cancer, hereditary nonpolyposis, type 5. Identifiers: Orphanet 144, MedGen C1833477, MONDO:0013710, OMIM 614350. Disease mechanism: loss of function.

Submissions (2):

Myriad Genetics, Inc.
Classification: Pathogenic for Lynch syndrome 5. Last evaluated: 2023-08-25. Review status: criteria provided, single submitter. Criteria: Myriad Autosomal Dominant, Autosomal Recessive and X-Linked Classification Criteria (2023). Collection method: clinical testing. Allele origin: unknown.
Comment: This variant is considered pathogenic. This variant creates a termination codon and is predicted to result in premature protein truncation.

Labcorp Genetics (formerly Invitae), Labcorp
Classification: Pathogenic for Hereditary nonpolyposis colorectal neoplasms. Last evaluated: 2021-12-25. Review status: criteria provided, single submitter. Criteria: Invitae Variant Classification Sherloc (09022015). Collection method: clinical testing. Allele origin: germline.
Comment: For these reasons, this variant has been classified as Pathogenic. This variant has not been reported in the literature in individuals affected with MSH6-related conditions. This variant is not present in population databases (gnomAD no frequency). This sequence change creates a premature translational stop signal (p.Ser1251*) in the MSH6 gene. It is expected to result in an absent or disrupted protein product. Loss-of-function variants in MSH6 are known to be pathogenic (PMID: 18269114, 24362816).

Literature cited by the submitters: PubMed 18269114 (cited by Labcorp Genetics (formerly Invitae), Labcorp); PubMed 24362816 (cited by Labcorp Genetics (formerly Invitae), Labcorp).